The following is an entry in ClinVar:

NM_006662.3(SRCAP):c.4457C>T (p.Ala1486Val)

Gene: SRCAP (Snf2 related CREBBP activator protein; plus strand). Cytogenetic location: 16p11.2.
Variant type: single nucleotide variant.
Coding change: c.4457C>T on transcript NM_006662.3 (MANE Select); coding-DNA position 4457, C replaced by T.
Protein change: p.Ala1486Val; replaces alanine 1486 with valine.
Molecular consequence: missense variant.
Genome position (GRCh38, 1-based): chr16:30,723,881, C>T. VCF-style: chr16-30723881-C-T. GRCh37 (hg19) VCF-style: chr16-30735202-C-T.
Other names: c.4457C>T (NM_006662.2); short protein forms A1486V.
Identifiers: ClinVar variation 2908823 (VCV002908823.5), dbSNP rs377218192, ClinGen allele CA8011749.

ClinVar aggregate classification (germline): Conflicting classifications of pathogenicity. Review status: criteria provided, conflicting classifications (1 of 4 stars). 3 submissions from 3 submitters: Uncertain significance (2); Likely benign (1). Last evaluated 2025-08-03.

Conditions:
Inborn genetic diseases. Identifiers: MedGen C0950123, MeSH D030342.

Allele frequency attached by ClinVar (database versions not stated): ExAC 0.00002; gnomAD 0.00002; TOPMed 0.00003; ESP Exome Variant Server 0.00008.
gnomAD v4.1: 65 of 1,613,972 alleles (0.004%); highest among the groups gnomAD compares: Non-Finnish European, 0.0047%; no homozygotes.

Submissions (3):

Ambry Genetics
Classification: Uncertain significance for Inborn genetic diseases. Last evaluated: 2025-08-03. Review status: criteria provided, single submitter. Criteria: Ambry Variant Classification Scheme 2023. Collection method: clinical testing. Allele origin: germline.

Blueprint Genetics
Classification: Likely benign. Last evaluated: 2024-02-12. Review status: criteria provided, single submitter. Criteria: ACMG Guidelines, 2015. Collection method: clinical testing. Allele origin: germline.

Labcorp Genetics (formerly Invitae), Labcorp
Classification: Uncertain significance. Last evaluated: 2023-11-28. Review status: criteria provided, single submitter. Criteria: Invitae Variant Classification Sherloc (09022015). Collection method: clinical testing. Allele origin: germline.
Comment: This sequence change replaces alanine, which is neutral and non-polar, with valine, which is neutral and non-polar, at codon 1486 of the SRCAP protein (p.Ala1486Val). This variant is present in population databases (rs377218192, gnomAD 0.01%). This variant has not been reported in the literature in individuals affected with SRCAP-related conditions. Advanced modeling of protein sequence and biophysical properties (such as structural, functional, and spatial information, amino acid conservation, physicochemical variation, residue mobility, and thermodynamic stability) performed at Invitae indicates that this missense variant is not expected to disrupt SRCAP protein function with a negative predictive value of 80%. In summary, the available evidence is currently insufficient to determine the role of this variant in disease. Therefore, it has been classified as a Variant of Uncertain Significance.